The following is an entry in ClinVar:

NM_006206.6(PDGFRA):c.1237+3A>T

Gene: PDGFRA (platelet derived growth factor receptor alpha; plus strand). Cytogenetic location: 4q12.
Variant type: single nucleotide variant.
Coding change: c.1237+3A>T on transcript NM_006206.6 (MANE Select); 3 bases into the intron after coding-DNA position 1237, A replaced by T.
Molecular consequence: intron variant.
Genome position (GRCh38, 1-based): chr4:54,270,751, A>T. VCF-style: chr4-54270751-A-T. GRCh37 (hg19) VCF-style: chr4-55136918-A-T.
Other names: c.1312+3A>T (NM_001347828.2); c.1237+3A>T (NM_001347827.2, NM_001347829.2); c.1276+3A>T (NM_001347830.2).
Identifiers: ClinVar variation 407404 (VCV000407404.17), dbSNP rs760562117, ClinGen allele CA2922489.

ClinVar aggregate classification (germline): Conflicting classifications of pathogenicity. Review status: criteria provided, conflicting classifications (1 of 4 stars). 4 submissions from 4 submitters: Uncertain significance (2); Likely benign (2). Last evaluated 2026-06-15.

Conditions:
Polyps, multiple and recurrent inflammatory fibroid, gastrointestinal. Identifiers: MedGen C5193005, MONDO:0008285, OMIM 175510.
Hereditary cancer-predisposing syndrome. Also called: Neoplastic Syndromes, Hereditary; Hereditary Cancer Syndrome; Hereditary neoplastic syndrome; Tumor predisposition. Identifiers: Orphanet 140162, MedGen C0027672, MeSH D009386, MONDO:0015356.
Gastrointestinal stromal tumor. Also called: Gastrointestinal stromal tumor, somatic; Gastrointestinal stroma tumor. Identifiers: Orphanet 44890, MedGen C0238198, MeSH D046152, MONDO:0011719, OMIM 606764, HP:0100723.

Allele frequency attached by ClinVar (database versions not stated): ExAC 0.00002; gnomAD 0.00002; gnomAD exomes 0.00002; TOPMed 0.00002.
gnomAD v4.1: 7 of 1,451,978 alleles (0.00048%); highest among the groups gnomAD compares: African/African-American, 0.0014%; no homozygotes.

Submissions (4):

Myriad Genetics, Inc.
Classification: Likely benign for Polyps, multiple and recurrent inflammatory fibroid, gastrointestinal. Last evaluated: 2026-06-15. Review status: criteria provided, single submitter. Criteria: Myriad Autosomal Dominant, Autosomal Recessive and X-Linked Classification Criteria (2023). Collection method: clinical testing. Allele origin: unknown.
Comment: This variant is considered likely benign. This variant is intronic and is not expected to impact mRNA splicing. This variant has been observed at a population frequency that is significantly greater than expected given the associated disease prevalence and penetrance.

Labcorp Genetics (formerly Invitae), Labcorp
Classification: Uncertain significance for Gastrointestinal stromal tumor. Last evaluated: 2025-11-09. Review status: criteria provided, single submitter. Criteria: Invitae Variant Classification Sherloc (09022015). Collection method: clinical testing. Allele origin: germline.
Comment: This sequence change falls in intron 8 of the PDGFRA gene. It does not directly change the encoded amino acid sequence of the PDGFRA protein. It affects a nucleotide within the consensus splice site. This variant is present in population databases (rs760562117, gnomAD 0.006%). This variant has not been reported in the literature in individuals affected with PDGFRA-related conditions. ClinVar contains an entry for this variant (Variation ID: 407404). Variants that disrupt the consensus splice site are a relatively common cause of aberrant splicing (PMID: 17576681, 9536098). Algorithms developed to predict the effect of sequence changes on RNA splicing suggest that this variant is not likely to affect RNA splicing. In summary, the available evidence is currently insufficient to determine the role of this variant in disease. Therefore, it has been classified as a Variant of Uncertain Significance.

Ambry Genetics
Classification: Likely benign for Hereditary cancer-predisposing syndrome. Last evaluated: 2024-03-20. Review status: criteria provided, single submitter. Criteria: Ambry Variant Classification Scheme 2023. Collection method: clinical testing. Allele origin: germline.

GeneDx
Classification: Uncertain significance. Last evaluated: 2019-04-25. Review status: criteria provided, single submitter. Criteria: GeneDx Variant Classification Process June 2021. Collection method: clinical testing. Allele origin: germline. Affected: yes.
Comment: Has not been previously published as pathogenic or benign to our knowledge; In-silico analysis, which includes splice predictors and evolutionary conservation, is inconclusive as to whether the variant alters gene splicing. In the absence of RNA/functional studies, the actual effect of this sequence change is unknown.

Literature cited by the submitters: PubMed 17576681 (cited by Labcorp Genetics (formerly Invitae), Labcorp); PubMed 9536098 (cited by Labcorp Genetics (formerly Invitae), Labcorp).